The following is an entry in ClinVar:

NM_000159.4(GCDH):c.873C>A (p.Asn291Lys)

Gene: GCDH (glutaryl-CoA dehydrogenase; plus strand). Cytogenetic location: 19p13.13.
Variant type: single nucleotide variant.
Coding change: c.873C>A on transcript NM_000159.4 (MANE Select); coding-DNA position 873, C replaced by A.
Protein change: p.Asn291Lys; replaces asparagine 291 with lysine.
Molecular consequence: missense variant. On other transcripts: non-coding transcript variant (2).
Genome position (GRCh38, 1-based): chr19:12,896,930, C>A. VCF-style: chr19-12896930-C-A. GRCh37 (hg19) VCF-style: chr19-13007744-C-A.
Other names: c.873C>A, p.Asn291Lys (NM_013976.5); short protein forms N291K.
Identifiers: ClinVar variation 554513 (VCV000554513.13), dbSNP rs1328059662, ClinGen allele CA404319333.

ClinVar aggregate classification (germline): Pathogenic/Likely pathogenic. Review status: criteria provided, multiple submitters, no conflicts (2 of 4 stars). 3 submissions from 3 submitters: Pathogenic (1); Likely pathogenic (1). 1 of the submissions does not count toward it. Last evaluated 2025-06-04.

Conditions:
Glutaric aciduria, type 1. Also called: Glutaric Acidemia Type 1; Glutaricacidemia Type 1; GA I; Glutaryl-CoA dehydrogenase deficiency; Glutaric acidemia type I; Glutaricaciduria, type I. Identifiers: Orphanet 25, MedGen C0268595, MONDO:0009281, OMIM 231670.

Allele frequency attached by ClinVar (database versions not stated): gnomAD 0.00001.
gnomAD v4.1: 2 of 1,613,196 alleles (0.00012%); highest among the groups gnomAD compares: East Asian, 0.0022%; no homozygotes.

Submissions (3):

Labcorp Genetics (formerly Invitae), Labcorp
Classification: Pathogenic for Glutaric aciduria, type 1. Last evaluated: 2025-06-04. Review status: criteria provided, single submitter. Criteria: Invitae Variant Classification Sherloc (09022015). Collection method: clinical testing. Allele origin: germline.
Comment: This sequence change replaces asparagine, which is neutral and polar, with lysine, which is basic and polar, at codon 291 of the GCDH protein (p.Asn291Lys). This variant is present in population databases (no rsID available, gnomAD 0.06%). This missense change has been observed in individual(s) with clinical features of glutaric acidemia type I (PMID: 28302372; internal data). In at least one individual the data is consistent with being in trans (on the opposite chromosome) from a pathogenic variant. ClinVar contains an entry for this variant (Variation ID: 554513). Invitae Evidence Modeling of protein sequence and biophysical properties (such as structural, functional, and spatial information, amino acid conservation, physicochemical variation, residue mobility, and thermodynamic stability) indicates that this missense variant is expected to disrupt GCDH protein function with a positive predictive value of 80%. For these reasons, this variant has been classified as Pathogenic.

Women's Health and Genetics/Laboratory Corporation of America, LabCorp
Classification: Likely pathogenic for Glutaric aciduria, type 1. Last evaluated: 2025-01-07. Review status: criteria provided, single submitter. Criteria: LabCorp Variant Classification Summary - May 2015. Collection method: clinical testing. Allele origin: germline.
Comment: Variant summary: GCDH c.873C>A (p.Asn291Lys) results in a non-conservative amino acid change located in the Acyl-CoA dehydrogenase/oxidase, C-terminal domain (IPR009075) of the encoded protein sequence. Five of five in-silico tools predict a damaging effect of the variant on protein function. The variant was absent in 250602 control chromosomes. c.873C>A has been reported in the literature in individuals affected with Glutaric Acidemia Type 1 (e.g., Tsai_2017, Internal data). In at least one individual the data is consistent with being in trans (on the opposite chromosome) from a pathogenic variant. One study has described this variant as a potential high excretor based on heterozgyous genotypes (Schuurmans_2023). These data indicate that the variant may be associated with disease. The following publications have been ascertained in the context of this evaluation (PMID: 28302372, 37020324, No-PMID). ClinVar contains an entry for this variant (Variation ID: 554513). Based on the evidence outlined above, the variant was classified as likely pathogenic.

Counsyl
Classification: Uncertain significance for Glutaric aciduria, type 1. Last evaluated: 2017-10-24. Review status: no assertion criteria provided. Collection method: clinical testing. Allele origin: unknown. Not counted in ClinVar's aggregate classification.

Literature cited by the submitters: PubMed 28302372 (cited by 3 submitters); PubMed 37020324 (cited by Women's Health and Genetics/Laboratory Corporation of America, LabCorp).